The following is an entry in ClinVar:

NM_019098.5(CNGB3):c.668T>A (p.Leu223Ter)

Gene: CNGB3 (cyclic nucleotide gated channel subunit beta 3; minus strand). Cytogenetic location: 8q21.3.
Variant type: single nucleotide variant.
Coding change: c.668T>A on transcript NM_019098.5 (MANE Select); coding-DNA position 668, T replaced by A.
Protein change: p.Leu223Ter; replaces leucine 223 with a stop codon.
Molecular consequence: nonsense.
Genome position (GRCh38, 1-based): chr8:86,667,109, A>T on the plus strand (T>A on the coding strand, the complement: CNGB3 is on the minus strand). VCF-style: chr8-86667109-A-T. GRCh37 (hg19) VCF-style: chr8-87679337-A-T.
Other names: short protein forms L223*.
Identifiers: ClinVar variation 1075338 (VCV001075338.7), dbSNP rs2131615148, ClinGen allele CA371449632.

ClinVar aggregate classification (germline): Pathogenic (1 of 4 stars; one submission).

Submission:

Labcorp Genetics (formerly Invitae), Labcorp
Classification: Pathogenic. Last evaluated: 2023-12-25. Review status: criteria provided, single submitter. Criteria: Invitae Variant Classification Sherloc (09022015). Collection method: clinical testing. Allele origin: germline.
Comment: This sequence change creates a premature translational stop signal (p.Leu223*) in the CNGB3 gene. It is expected to result in an absent or disrupted protein product. Loss-of-function variants in CNGB3 are known to be pathogenic (PMID: 28795510). This variant is not present in population databases (gnomAD no frequency). This variant has not been reported in the literature in individuals affected with CNGB3-related conditions. ClinVar contains an entry for this variant (Variation ID: 1075338). For these reasons, this variant has been classified as Pathogenic.

Literature cited by the submitters: PubMed 28795510.